The following is an entry in ClinVar:

ClinVar aggregate classification (germline): Uncertain significance (1 of 4 stars; one submission).

Conditions:
Hereditary cancer-predisposing syndrome. Also called: Hereditary Cancer Syndrome; Hereditary neoplastic syndrome; Tumor predisposition; Neoplastic Syndromes, Hereditary. Identifiers: Orphanet 140162, MedGen C0027672, MeSH D009386, MONDO:0015356.

Submission:

Ambry Genetics
Classification: Uncertain significance for Hereditary cancer-predisposing syndrome. Last evaluated: 2022-01-31. Review status: criteria provided, single submitter. Criteria: Ambry Variant Classification Scheme 2023. Collection method: clinical testing. Allele origin: germline.
Comment: The c.2514+3A>T intronic variant results from an A to T substitution 3 nucleotides after coding exon 5 in the PALB2 gene. This nucleotide position is highly conserved in available vertebrate species. In silico splice site analysis predicts that this alteration will weaken the native splice donor site. Since supporting evidence is limited at this time, the clinical significance of this alteration remains unclear.

NM_024675.4(PALB2):c.2514+3A>T

Gene: PALB2 (partner and localizer of BRCA2; minus strand). Cytogenetic location: 16p12.2.
Variant type: single nucleotide variant.
Coding change: c.2514+3A>T on transcript NM_024675.4 (MANE Select); 3 bases into the intron after coding-DNA position 2514, A replaced by T.
Molecular consequence: intron variant.
Genome position (GRCh38, 1-based): chr16:23,629,637, T>A on the plus strand (A>T on the coding strand, the complement: PALB2 is on the minus strand). VCF-style: chr16-23629637-T-A. GRCh37 (hg19) VCF-style: chr16-23640958-T-A.
Identifiers: ClinVar variation 1792431 (VCV001792431.2), dbSNP rs515726088, ClinGen allele CA2580091309.